The following is an entry in ClinVar:

NM_000722.4(CACNA2D1):c.1885A>G (p.Lys629Glu)

Gene: CACNA2D1 (calcium voltage-gated channel auxiliary subunit alpha2delta 1; minus strand). Cytogenetic location: 7q21.11.
Variant type: single nucleotide variant.
Coding change: c.1885A>G on transcript NM_000722.4 (MANE Select); coding-DNA position 1885, A replaced by G.
Protein change: p.Lys629Glu; replaces lysine 629 with glutamic acid.
Molecular consequence: missense variant. On other transcripts: intron variant (1).
Genome position (GRCh38, 1-based): chr7:81,983,323, T>C on the plus strand (A>G on the coding strand, the complement: CACNA2D1 is on the minus strand). VCF-style: chr7-81983323-T-C. GRCh37 (hg19) VCF-style: chr7-81612639-T-C.
Other names: c.1931-696A>G (NM_001366867.1); short protein forms K629E.
Identifiers: ClinVar variation 3624290 (VCV003624290.2).

ClinVar aggregate classification (germline): Uncertain significance (1 of 4 stars; one submission).

Conditions:
Brugada syndrome. Also called: Sudden unexpected nocturnal death syndrome; Sudden unexplained nocturnal death syndrome; Sudden Unexplained Nocturnal Death Syndrome (SUNDS); Sudden Unexplained Death Syndrome. Identifiers: Orphanet 130, MedGen C1142166, MONDO:0015263.

Submission:

Labcorp Genetics (formerly Invitae), Labcorp
Classification: Uncertain significance for Brugada syndrome. Last evaluated: 2024-11-06. Review status: criteria provided, single submitter. Criteria: Invitae Variant Classification Sherloc (09022015). Collection method: clinical testing. Allele origin: germline.
Comment: This sequence change replaces lysine, which is basic and polar, with glutamic acid, which is acidic and polar, at codon 629 of the CACNA2D1 protein (p.Lys629Glu). This variant is not present in population databases (gnomAD no frequency). This variant has not been reported in the literature in individuals affected with CACNA2D1-related conditions. An algorithm developed to predict the effect of missense changes on protein structure and function (PolyPhen-2) suggests that this variant is likely to be tolerated. In summary, the available evidence is currently insufficient to determine the role of this variant in disease. Therefore, it has been classified as a Variant of Uncertain Significance.